The following continues an entry in ClinVar:

NM_004360.5(CDH1):c.2635G>A (p.Gly879Ser)

Gene: CDH1. ClinVar aggregate classification (germline): Likely benign. Likely benign (1).

Submissions 17 to 19 of 19:

Department of Pathology and Laboratory Medicine, Sinai Health System
Classification: Uncertain significance for Malignant tumor of breast. Review status: no assertion criteria provided. Collection method: clinical testing. Allele origin: unknown. Affected: yes. Study: The Canadian Open Genetics Repository (COGR). Not counted in ClinVar's aggregate classification.
Comment: The CDH1 p.Gly879Ser variant was identified in 4 of 16,822 proband chromosomes (frequency: 0.0002) from individuals or families with breast cancer or lynch syndrome and was present in 1 of 47,462 control chromosomes (frequency: 0.00002) from healthy individuals (Momozawa 2018, Yurgelun 2015, Valente 2014). The variant was identified in dbSNP (rs200911775) as â€š with other alleleâ€šÃ„Ã¹ and ClinVar (classified as uncertain significance by ClinGen CDH1 Curation Panel, Invitae, Color and 1 other submitter; and as likely benign by Ambry Genetics, GeneDx and Integrated Genetics). The variant was identified in control databases in 37 of 282,800 chromosomes at a frequency of 0.0001 (Genome Aggregation Database Feb 27, 2017). The variant was observed in the following populations: Other in 2 of 7218 chromosomes (freq: 0.0003), European in 32 of 129,134 chromosomes (freq: 0.0002), African in 1 of 24,964 chromosomes (freq: 0.00004), Finnish in 1 of 25,106 chromosomes (freq: 0.00004), and Latino in 1 of 35,440 chromosomes (freq: 0.00003); it was not observed in the Ashkenazi Jewish, East Asian or South Asian populations. The p.Gly879 residue is conserved in mammals and computational analyses (PolyPhen-2, SIFT, AlignGVGD, BLOSUM, MutationTaster) provide inconsistent predictions regarding the impact to the protein; this information is not very predictive of pathogenicity. The variant occurs outside of the splicing consensus sequence and in silico or computational prediction software programs (SpliceSiteFinder, MaxEntScan, NNSPLICE, GeneSplicer) do not predict a difference in splicing. In summary, based on the above information, the clinical significance of this variant cannot be determined with certainty at this time. This variant is classified as a variant of uncertain significance.

Genome Diagnostics Laboratory, Amsterdam University Medical Center
Classification: Likely benign. Review status: no assertion criteria provided. Collection method: clinical testing. Allele origin: germline. Affected: yes. Study: VKGL Data-share Consensus. Not counted in ClinVar's aggregate classification.

Laboratory of Diagnostic Genome Analysis, Leiden University Medical Center (LUMC)
Classification: Likely benign. Review status: no assertion criteria provided. Collection method: clinical testing. Allele origin: germline. Affected: yes. Study: VKGL Data-share Consensus. Not counted in ClinVar's aggregate classification.

Literature cited by the submitters: PubMed 25980754 (cited by Women's Health and Genetics/Laboratory Corporation of America, LabCorp and Quest Diagnostics Nichols Institute San Juan Capistrano); PubMed 25067988 (cited by Women's Health and Genetics/Laboratory Corporation of America, LabCorp and Quest Diagnostics Nichols Institute San Juan Capistrano); PubMed 26123647 (cited by Women's Health and Genetics/Laboratory Corporation of America, LabCorp and Quest Diagnostics Nichols Institute San Juan Capistrano); PubMed 28166811 (cited by Women's Health and Genetics/Laboratory Corporation of America, LabCorp and Quest Diagnostics Nichols Institute San Juan Capistrano); PubMed 30311375 (cited by Women's Health and Genetics/Laboratory Corporation of America, LabCorp and Quest Diagnostics Nichols Institute San Juan Capistrano); PubMed 30287823 (cited by Women's Health and Genetics/Laboratory Corporation of America, LabCorp and Quest Diagnostics Nichols Institute San Juan Capistrano); PubMed 36436516 (cited by Quest Diagnostics Nichols Institute San Juan Capistrano and European Reference Network on Genetic Tumour Risk Syndromes (ERN-GENTURIS), i3s - Instituto de Investigação e Inovação em Saúde, University of Porto); PubMed 36179682 (cited by Quest Diagnostics Nichols Institute San Juan Capistrano); PubMed 37060015 (cited by Quest Diagnostics Nichols Institute San Juan Capistrano); PubMed 33471991 (cited by Quest Diagnostics Nichols Institute San Juan Capistrano).